The following is an entry in ClinVar:

NM_001077418.3(TMEM231):c.520G>A (p.Gly174Arg)

Gene: TMEM231 (transmembrane protein 231; minus strand). Cytogenetic location: 16q23.1.
Variant type: single nucleotide variant.
Coding change: c.520G>A on transcript NM_001077418.3 (MANE Select); coding-DNA position 520, G replaced by A.
Protein change: p.Gly174Arg; replaces glycine 174 with arginine.
Molecular consequence: missense variant. On other transcripts: non-coding transcript variant (1).
Genome position (GRCh38, 1-based): chr16:75,545,414, C>T on the plus strand (G>A on the coding strand, the complement: TMEM231 is on the minus strand). VCF-style: chr16-75545414-C-T. GRCh37 (hg19) VCF-style: chr16-75579312-C-T.
Other names: c.679G>A, p.Gly227Arg (NM_001077416.2); short protein forms G174R, G227R.
Identifiers: ClinVar variation 1490774 (VCV001490774.6), dbSNP rs763194213, ClinGen allele CA8176164.
Genomic context (GRCh38, chr16:75,545,414, plus strand): 5'-TGTATCGGGCATCTAGGCCACCACAGCTCAGCGGCTGCTTCTGCTGCAGCCTCAGGTCTC[C>T]GTTCACGTATAACTGGGATCCCGGGACAGGAAAGGAGGACTGGAGAAACGCCATGCTCTG-3'
Protein context (NP_001070886.1, residues 164-184): PVPGSQLYVN[Gly174Arg]DLRLQQKQPL

ClinVar aggregate classification (germline): Uncertain significance (1 of 4 stars; one submission).

Conditions:
Joubert syndrome 20 (JBTS20). Identifiers: Orphanet 475, MedGen C3554235, MONDO:0013994, OMIM 614970.
Meckel syndrome, type 11 (MKS11). Identifiers: Orphanet 564, MedGen C3809352, MONDO:0014164, OMIM 615397.

Allele frequency attached by ClinVar (database versions not stated): gnomAD exomes below 0.00001; ExAC 0.00001; gnomAD 0.00001; TOPMed 0.00001.

Submission:

Labcorp Genetics (formerly Invitae), Labcorp
Classification: Uncertain significance for Joubert syndrome 20; Meckel syndrome, type 11. Last evaluated: 2025-05-19. Review status: criteria provided, single submitter. Criteria: Invitae Variant Classification Sherloc (09022015). Collection method: clinical testing. Allele origin: germline.
Comment: This sequence change replaces glycine, which is neutral and non-polar, with arginine, which is basic and polar, at codon 227 of the TMEM231 protein (p.Gly227Arg). This variant is present in population databases (rs763194213, gnomAD 0.003%). This variant has not been reported in the literature in individuals affected with TMEM231-related conditions. ClinVar contains an entry for this variant (Variation ID: 1490774). Experimental studies and prediction algorithms are not available or were not evaluated, and the functional significance of this variant is currently unknown. In summary, the available evidence is currently insufficient to determine the role of this variant in disease. Therefore, it has been classified as a Variant of Uncertain Significance.